The following is an entry in ClinVar:

NM_001370658.1(BTD):c.1401G>A (p.Trp467Ter)

Gene: BTD (biotinidase; plus strand). Cytogenetic location: 3p25.1.
Variant type: single nucleotide variant.
Coding change: c.1401G>A on transcript NM_001370658.1 (MANE Select); coding-DNA position 1401, G replaced by A.
Protein change: p.Trp467Ter; replaces tryptophan 467 with a stop codon.
Molecular consequence: nonsense. On other transcripts: intron variant (2).
Genome position (GRCh38, 1-based): chr3:15,645,317, G>A. VCF-style: chr3-15645317-G-A. GRCh37 (hg19) VCF-style: chr3-15686824-G-A.
Other names: c.1461G>A, p.Trp487Ter (NM_000060.4); c.1401G>A, p.Trp467Ter (NM_001281723.4, NM_001281724.3, NM_001281725.3 and 16 more transcripts); c.1015+386G>A (NM_001370752.1); c.399+3260G>A (NM_001370753.1); short protein forms W467*.
Identifiers: ClinVar variation 550262 (VCV000550262.5), dbSNP rs1553654186, ClinGen allele CA351608944.

ClinVar aggregate classification (germline): Conflicting classifications of pathogenicity. Review status: criteria provided, conflicting classifications (1 of 4 stars). 3 submissions from 3 submitters: Pathogenic (1); Uncertain significance (1). 1 of the submissions does not count toward it. Last evaluated 2026-07-01.

Conditions:
Inborn genetic diseases. Identifiers: MedGen C0950123, MeSH D030342.
Biotinidase deficiency. Also called: Biotin deficiency; BTD deficiency; Late-onset biotin-responsive multiple carboxylase deficiency. Identifiers: Orphanet 79241, MedGen C0220754, MONDO:0009665, OMIM 253260.

Submissions (3):

Ambry Genetics
Classification: Pathogenic for Inborn genetic diseases. Last evaluated: 2026-07-01. Review status: criteria provided, single submitter. Criteria: Ambry Variant Classification Scheme 2023. Collection method: clinical testing. Allele origin: germline.
Comment: The c.1461G>A (p.W487*) alteration, located in exon 4 (coding exon 4) of the BTD gene, consists of a G to A substitution at nucleotide position 1461. This changes the amino acid from a tryptophan (W) to a stop codon at amino acid position 487. This variant is not expected to trigger nonsense-mediated mRNA decay and impacts the last 10% of the protein. However, premature stop codons are typically deleterious in nature, the impacted region is critical for protein function, and a significant portion of the protein is affected (Ambry internal data). This variant was not reported in population-based cohorts in the Genome Aggregation Database (gnomAD). Based on the available evidence, this alteration is classified as pathogenic.

Neuberg Centre For Genomic Medicine, NCGM
Classification: Uncertain significance for Biotinidase deficiency. Last evaluated: 2023-06-22. Review status: criteria provided, single submitter. Criteria: ACMG Guidelines, 2015. Collection method: clinical testing. Allele origin: germline. Inheritance: Autosomal recessive inheritance. Affected: yes.
Comment: The stop gained c.1401G>A(p.Trp467Ter) variant in BTD gene has not been reported previously as a pathogenic variant nor as a benign variant, to our knowledge. The c.1401G>A variant is absent in gnomAD Exomes. This variant has been submitted to the ClinVar database as Likely pathogenic. Computational evidence (MutationTaster - Disease causing) predict damaging effect on protein structure and function for this variant. The reference nucleotide change c.1401G>A in BTD is predicted as conserved by GERP++ and PhyloP across 100 vertebrates. Loss of function variants have been previously reported to be disease causing. However since this variant is present in the last exon, functional studies will be required to prove protein truncation. For these reasons, this variant has been classified as Variant of Uncertain Significance (VUS). In absence of another reportable variant in BTD gene, the molecular diagnosis is not confirmed.

Counsyl
Classification: Likely pathogenic for Biotinidase deficiency. Last evaluated: 2016-12-27. Review status: no assertion criteria provided. Collection method: clinical testing. Allele origin: unknown. Not counted in ClinVar's aggregate classification.